The following is an entry in ClinVar:

NM_000188.3(HK1):c.1652G>A (p.Arg551Lys)

Gene: HK1 (hexokinase 1; plus strand). Cytogenetic location: 10q22.1.
Variant type: single nucleotide variant.
Coding change: c.1652G>A on transcript NM_000188.3 (MANE Select); coding-DNA position 1652, G replaced by A.
Protein change: p.Arg551Lys; replaces arginine 551 with lysine.
Molecular consequence: missense variant.
Genome position (GRCh38, 1-based): chr10:69,384,414, G>A. VCF-style: chr10-69384414-G-A. GRCh37 (hg19) VCF-style: chr10-71144170-G-A.
Other names: c.1664G>A, p.Arg555Lys (NM_001322364.2, NM_001358263.1, NM_033497.3 and 1 more transcripts); c.1757G>A, p.Arg586Lys (NM_001322365.2); c.1568G>A, p.Arg523Lys (NM_001322366.1); c.1556G>A, p.Arg519Lys (NM_001322367.1); c.1649G>A, p.Arg550Lys (NM_033496.3); c.1616G>A, p.Arg539Lys (NM_033500.2); short protein forms R519K, R550K, R539K, R551K, R555K, R523K, R586K.
Identifiers: ClinVar variation 3713042 (VCV003713042.2).

ClinVar aggregate classification (germline): Uncertain significance (1 of 4 stars; one submission).

Submission:

Labcorp Genetics (formerly Invitae), Labcorp
Classification: Uncertain significance. Last evaluated: 2025-01-14. Review status: criteria provided, single submitter. Criteria: Invitae Variant Classification Sherloc (09022015). Collection method: clinical testing. Allele origin: germline.
Comment: This sequence change replaces arginine, which is basic and polar, with lysine, which is basic and polar, at codon 551 of the HK1 protein (p.Arg551Lys). This variant is not present in population databases (gnomAD no frequency). This variant has not been reported in the literature in individuals affected with HK1-related conditions. This variant is also known as p.Arg539Lys. Invitae Evidence Modeling of protein sequence and biophysical properties (such as structural, functional, and spatial information, amino acid conservation, physicochemical variation, residue mobility, and thermodynamic stability) indicates that this missense variant is not expected to disrupt HK1 protein function with a negative predictive value of 80%. Experimental studies have shown that this missense change affects HK1 function (PMID: 9422720). In summary, the available evidence is currently insufficient to determine the role of this variant in disease. Therefore, it has been classified as a Variant of Uncertain Significance.

Literature cited by the submitters: PubMed 9422720.